The following is an entry in ClinVar:

ClinVar aggregate classification (germline): Uncertain significance. Review status: criteria provided, multiple submitters, no conflicts (2 of 4 stars). 2 submissions from 2 submitters: Uncertain significance (2). Last evaluated 2025-07-18.

Conditions:
Rhabdoid tumor predisposition syndrome 2 (RTPS2). Identifiers: Orphanet 231108, Orphanet 69077, MedGen C2750074, MONDO:0013224, OMIM 613325.
Hereditary cancer-predisposing syndrome. Also called: Tumor predisposition; Hereditary neoplastic syndrome; Neoplastic Syndromes, Hereditary; Hereditary Cancer Syndrome. Identifiers: Orphanet 140162, MedGen C0027672, MeSH D009386, MONDO:0015356.

Submissions (2):

Ambry Genetics
Classification: Uncertain significance for Hereditary cancer-predisposing syndrome. Last evaluated: 2025-07-18. Review status: criteria provided, single submitter. Criteria: Ambry Variant Classification Scheme 2023. Collection method: clinical testing. Allele origin: germline.
Comment: The p.G267S variant (also known as c.799G>A), located in coding exon 4 of the SMARCA4 gene, results from a G to A substitution at nucleotide position 799. The glycine at codon 267 is replaced by serine, an amino acid with similar properties. This amino acid position is highly conserved in available vertebrate species. In addition, the in silico prediction for this alteration is inconclusive. Based on the available evidence, the clinical significance of this variant remains unclear.

Labcorp Genetics (formerly Invitae), Labcorp
Classification: Uncertain significance for Rhabdoid tumor predisposition syndrome 2. Last evaluated: 2019-03-06. Review status: criteria provided, single submitter. Criteria: Invitae Variant Classification Sherloc (09022015). Collection method: clinical testing. Allele origin: germline.
Comment: In summary, the available evidence is currently insufficient to determine the role of this variant in disease. Therefore, it has been classified as a Variant of Uncertain Significance. Algorithms developed to predict the effect of missense changes on protein structure and function (SIFT, PolyPhen-2, Align-GVGD) all suggest that this variant is likely to be disruptive, but these predictions have not been confirmed by published functional studies and their clinical significance is uncertain. This variant has not been reported in the literature in individuals with SMARCA4-related conditions. This variant is not present in population databases (ExAC no frequency). This sequence change replaces glycine with serine at codon 267 of the SMARCA4 protein (p.Gly267Ser). The glycine residue is highly conserved and there is a small physicochemical difference between glycine and serine.

NM_003072.5(SMARCA4):c.799G>A (p.Gly267Ser)

Gene: SMARCA4 (SWI/SNF related BAF chromatin remodeling complex subunit ATPase 4; plus strand). Cytogenetic location: 19p13.2.
Variant type: single nucleotide variant.
Coding change: c.799G>A on transcript NM_003072.5 (MANE Select); coding-DNA position 799, G replaced by A.
Protein change: p.Gly267Ser; replaces glycine 267 with serine.
Molecular consequence: missense variant. On other transcripts: non-coding transcript variant (1).
Genome position (GRCh38, 1-based): chr19:10,986,943, G>A. VCF-style: chr19-10986943-G-A. GRCh37 (hg19) VCF-style: chr19-11097619-G-A.
Other names: c.799G>A, p.Gly267Ser (NM_001128844.3, NM_001128845.2, NM_001128846.2 and 4 more transcripts); short protein forms G267S.
Identifiers: ClinVar variation 860285 (VCV000860285.13), dbSNP rs2086105423, ClinGen allele CA404057962.